The following is an entry in ClinVar:

NM_000245.4(MET):c.3702C>T (p.Tyr1234=)

Gene: MET (MET proto-oncogene, receptor tyrosine kinase; plus strand). Cytogenetic location: 7q31.2.
Variant type: single nucleotide variant.
Coding change: c.3702C>T on transcript NM_000245.4 (MANE Select); coding-DNA position 3702, C replaced by T.
Protein change: p.Tyr1234=; no amino-acid change (tyrosine 1234 retained).
Molecular consequence: synonymous variant.
Genome position (GRCh38, 1-based): chr7:116,783,373, C>T. VCF-style: chr7-116783373-C-T. GRCh37 (hg19) VCF-style: chr7-116423427-C-T.
Other names: c.3756C>T, p.Tyr1252= (NM_001127500.3); c.2412C>T, p.Tyr804= (NM_001324402.2); c.3756C>T (NM_001127500.2).
Identifiers: ClinVar variation 1129771 (VCV001129771.14), dbSNP rs201747580, ClinGen allele CA4448765.
Genomic context (GRCh38, chr7:116,783,373, plus strand): 5'-AAAATTCACAGTCAAGGTTGCTGATTTTGGTCTTGCCAGAGACATGTATGATAAAGAATA[C>T]TATAGTGTACACAACAAAACAGGTGCAAAGCTGCCAGTGAAGTGGATGGCTTTGGAAAGT-3'
Protein context (NP_000236.2, residues 1224-1244): GLARDMYDKE[Tyr1234=]YSVHNKTGAK

ClinVar aggregate classification (germline): Benign/Likely benign. Review status: criteria provided, multiple submitters, no conflicts (2 of 4 stars). 4 submissions from 4 submitters: Benign (1); Likely benign (2). 1 of the submissions does not count toward it. Last evaluated 2026-01-25.

Conditions:
Papillary renal cell carcinoma type 1 (RCCP1). Also called: RENAL CELL CARCINOMA, PAPILLARY, 1, SOMATIC; Renal adenocarcinoma; Renal cell carcinoma 1; Renal cell carcinoma, somatic. Identifiers: Orphanet 47044, MedGen C1336839, OMIM 605074, HP:0011797.
Renal cell carcinoma. Identifiers: Orphanet 217071, MedGen C0007134, MeSH D002292, MONDO:0005086, HP:0005584.
Hereditary cancer-predisposing syndrome. Also called: Hereditary neoplastic syndrome; Hereditary Cancer Syndrome; Tumor predisposition; Neoplastic Syndromes, Hereditary. Identifiers: Orphanet 140162, MedGen C0027672, MeSH D009386, MONDO:0015356.
MET-related disorder. Also called: MET-related condition.

Allele frequency attached by ClinVar (database versions not stated): gnomAD exomes 0.00001 and 0.00003; TOPMed 0.00001; ExAC 0.00002; gnomAD 0.00002 and 0.00004; 1000 Genomes Project 30x 0.00016; 1000 Genomes Project 0.00020.
gnomAD v4.1: 54 of 1,614,064 alleles (0.0033%); highest among the groups gnomAD compares: East Asian, 0.12%; no homozygotes.

Submissions (4):

Labcorp Genetics (formerly Invitae), Labcorp
Classification: Likely benign for Renal cell carcinoma. Last evaluated: 2026-01-25. Review status: criteria provided, single submitter. Criteria: Invitae Variant Classification Sherloc (09022015). Collection method: clinical testing. Allele origin: germline.

Myriad Genetics, Inc.
Classification: Benign for Papillary renal cell carcinoma type 1. Last evaluated: 2024-11-14. Review status: criteria provided, single submitter. Criteria: Myriad Autosomal Dominant, Autosomal Recessive and X-Linked Classification Criteria (2023). Collection method: clinical testing. Allele origin: unknown.
Comment: This variant is considered benign. This variant is a silent/synonymous amino acid change and it is not expected to impact splicing.

Ambry Genetics
Classification: Likely benign for Hereditary cancer-predisposing syndrome. Last evaluated: 2020-10-07. Review status: criteria provided, single submitter. Criteria: Ambry Variant Classification Scheme 2023. Collection method: clinical testing. Allele origin: germline.

PreventionGenetics, part of Exact Sciences
Classification: Likely benign for MET-related condition. Last evaluated: 2022-07-05. Review status: no assertion criteria provided. Collection method: clinical testing. Allele origin: germline. Not counted in ClinVar's aggregate classification.
Comment: This variant is classified as likely benign based on ACMG/AMP sequence variant interpretation guidelines (Richards et al. 2015 PMID: 25741868, with internal and published modifications).